The following is an entry in ClinVar:

NM_001034853.2(RPGR):c.454T>C (p.Ser152Pro)

Gene: RPGR (retinitis pigmentosa GTPase regulator; minus strand). Cytogenetic location: Xp11.4.
Variant type: single nucleotide variant.
Coding change: c.454T>C on transcript NM_001034853.2 (MANE Select); coding-DNA position 454, T replaced by C.
Protein change: p.Ser152Pro; replaces serine 152 with proline.
Molecular consequence: missense variant. On other transcripts: non-coding transcript variant (6).
Genome position (GRCh38, 1-based): chrX:38,318,844, A>G on the plus strand (T>C on the coding strand, the complement: RPGR is on the minus strand). VCF-style: chrX-38318844-A-G. GRCh37 (hg19) VCF-style: chrX-38178097-A-G.
Other names: c.454T>C, p.Ser152Pro (NM_000328.3, NM_001367245.1, NM_001367246.1 and 3 more transcripts); c.484T>C, p.Ser162Pro (NM_001367248.1); c.451T>C, p.Ser151Pro (NM_001367249.1); short protein forms S162P, S152P, S151P.
Identifiers: ClinVar variation 2814136 (VCV002814136.3), dbSNP rs2519894426, ClinGen allele CA412745017.

ClinVar aggregate classification (germline): Uncertain significance (1 of 4 stars; one submission).

Conditions:
Primary ciliary dyskinesia. Also called: Ciliary dyskinesia. Identifiers: Orphanet 244, MedGen C0008780, MONDO:0016575, HP:0012265.

Submission:

Labcorp Genetics (formerly Invitae), Labcorp
Classification: Uncertain significance for Primary ciliary dyskinesia. Last evaluated: 2022-11-14. Review status: criteria provided, single submitter. Criteria: Invitae Variant Classification Sherloc (09022015). Collection method: clinical testing. Allele origin: germline.
Comment: This sequence change replaces serine, which is neutral and polar, with proline, which is neutral and non-polar, at codon 152 of the RPGR protein (p.Ser152Pro). This variant is not present in population databases (gnomAD no frequency). This variant has not been reported in the literature in individuals affected with RPGR-related conditions. Advanced modeling of protein sequence and biophysical properties (such as structural, functional, and spatial information, amino acid conservation, physicochemical variation, residue mobility, and thermodynamic stability) performed at Invitae indicates that this missense variant is expected to disrupt RPGR protein function. In summary, the available evidence is currently insufficient to determine the role of this variant in disease. Therefore, it has been classified as a Variant of Uncertain Significance.